The following is an entry in ClinVar:

ClinVar aggregate classification (germline): Uncertain significance (1 of 4 stars; one submission).

Conditions:
Cardiovascular phenotype. Identifiers: MedGen CN230736.

gnomAD v4.1: 28 of 1,207,786 alleles (0.0023%); highest among the groups gnomAD compares: Non-Finnish European, 0.0029%; no homozygotes.

Submission:

Ambry Genetics
Classification: Uncertain significance for Cardiovascular phenotype. Last evaluated: 2023-02-10. Review status: criteria provided, single submitter. Criteria: Ambry Variant Classification Scheme 2023. Collection method: clinical testing. Allele origin: germline.
Comment: The p.R27P variant (also known as c.80G>C), located in coding exon 1 of the LDLRAP1 gene, results from a G to C substitution at nucleotide position 80. The arginine at codon 27 is replaced by proline, an amino acid with dissimilar properties. This amino acid position is conserved. In addition, this alteration is predicted to be tolerated by in silico analysis. Since supporting evidence is limited at this time, the clinical significance of this alteration remains unclear.

NM_015627.3(LDLRAP1):c.80G>C (p.Arg27Pro)

Genes: LDLRAP1 (low density lipoprotein receptor adaptor protein 1; plus strand), LOC129929773 (ATAC-STARR-seq lymphoblastoid silent region 456; plus strand). Cytogenetic location: 1p36.11.
Variant type: single nucleotide variant.
Coding change: c.80G>C on transcript NM_015627.3 (MANE Select); coding-DNA position 80, G replaced by C.
Protein change: p.Arg27Pro; replaces arginine 27 with proline.
Molecular consequence: missense variant.
Genome position (GRCh38, 1-based): chr1:25,543,778, G>C. VCF-style: chr1-25543778-G-C. GRCh37 (hg19) VCF-style: chr1-25870269-G-C.
Other names: short protein forms R27P.
Identifiers: ClinVar variation 2448694 (VCV002448694.2), dbSNP rs2043859765, ClinGen allele CA339076750.